The following is an entry in ClinVar:

NM_017882.3(CLN6):c.640G>T (p.Val214Leu)

Gene: CLN6 (CLN6 transmembrane ER protein; minus strand). Cytogenetic location: 15q23.
Variant type: single nucleotide variant.
Coding change: c.640G>T on transcript NM_017882.3 (MANE Select); coding-DNA position 640, G replaced by T.
Protein change: p.Val214Leu; replaces valine 214 with leucine.
Molecular consequence: missense variant.
Genome position (GRCh38, 1-based): chr15:68,209,662, C>A on the plus strand (G>T on the coding strand, the complement: CLN6 is on the minus strand). VCF-style: chr15-68209662-C-A. GRCh37 (hg19) VCF-style: chr15-68502000-C-A.
Other names: short protein forms V214L.
Identifiers: ClinVar variation 421376 (VCV000421376.2), dbSNP rs765491294, ClinGen allele CA16619999.

ClinVar aggregate classification (germline): Uncertain significance (1 of 4 stars; one submission).

Submission:

GeneDx
Classification: Uncertain significance. Last evaluated: 2016-06-07. Review status: criteria provided, single submitter. Criteria: GeneDx Variant Classification (06012015). Collection method: clinical testing. Allele origin: germline. Affected: yes.
Comment: A variant of uncertain significance has been identified in the CLN6 gene. The V214L variant has not been publishedas a pathogenic variant, nor has it been reported as a benign variant to our knowledge. It was not observed inapproximately 6,500 individuals of European and African American ancestry in the NHLBI Exome SequencingProject, indicating it is not a common benign variant in these populations. The V214L variant is a conservativeamino acid substitution, which is not likely to impact secondary protein structure as these residues share similarproperties. This substitution occurs at a position where amino acids with similar properties to Valine are toleratedacross species. In silico analysis predicts this variant likely does not alter the protein structure/function. Based on thecurrently available information, it is unclear whether this variant is a pathogenic variant or a rare benign variant.